The following is an entry in ClinVar:

ClinVar aggregate classification (germline): Likely benign. Review status: criteria provided, single submitter (1 of 4 stars). 2 submissions from 2 submitters: Likely benign (1). 1 of the submissions does not count toward it. Last evaluated 2022-09-25.

Conditions:
NTRK2-related disorder. Also called: NTRK2-related condition.

Submissions (2):

Labcorp Genetics (formerly Invitae), Labcorp
Classification: Likely benign. Last evaluated: 2022-09-25. Review status: criteria provided, single submitter. Criteria: Invitae Variant Classification Sherloc (09022015). Collection method: clinical testing. Allele origin: germline.

PreventionGenetics, part of Exact Sciences
Classification: Likely benign for NTRK2-related condition. Last evaluated: 2019-11-27. Review status: no assertion criteria provided. Collection method: clinical testing. Allele origin: germline. Not counted in ClinVar's aggregate classification.
Comment: This variant is classified as likely benign based on ACMG/AMP sequence variant interpretation guidelines (Richards et al. 2015 PMID: 25741868, with internal and published modifications).

NM_006180.6(NTRK2):c.2055C>G (p.Ser685=)

Gene: NTRK2 (neurotrophic receptor tyrosine kinase 2; plus strand). Cytogenetic location: 9q21.33.
Variant type: single nucleotide variant.
Coding change: c.2055C>G on transcript NM_006180.6 (MANE Select); coding-DNA position 2055, C replaced by G.
Protein change: p.Ser685=; no amino-acid change (serine 685 retained).
Molecular consequence: synonymous variant.
Genome position (GRCh38, 1-based): chr9:84,955,400, C>G. VCF-style: chr9-84955400-C-G. GRCh37 (hg19) VCF-style: chr9-87570315-C-G.
Other names: c.2007C>G, p.Ser669= (NM_001018064.3, NM_001369532.1, NM_001369533.1); c.1971C>G, p.Ser657= (NM_001369534.1); c.1539C>G, p.Ser513= (NM_001369535.1); c.1587C>G, p.Ser529= (NM_001369536.1); c.2055C>G, p.Ser685= (NM_001381928.1); c.2055C>G (NM_006180.4).
Identifiers: ClinVar variation 2112223 (VCV002112223.5), dbSNP rs1823992897, ClinGen allele CA465983822.